The following is an entry in ClinVar:

NM_153676.4(USH1C):c.*46T>C

Gene: USH1C (USH1 protein network component harmonin; minus strand). Cytogenetic location: 11p15.1.
Variant type: single nucleotide variant.
Coding change: c.*46T>C on transcript NM_153676.4 (MANE Select); 46 bases downstream of the stop codon, T replaced by C.
Molecular consequence: 3 prime UTR variant. On other transcripts: non-coding transcript variant (1).
Genome position (GRCh38, 1-based): chr11:17,494,286, A>G on the plus strand (T>C on the coding strand, the complement: USH1C is on the minus strand). VCF-style: chr11-17494286-A-G. GRCh37 (hg19) VCF-style: chr11-17515833-A-G.
Other names: c.*78T>C (NM_001297764.2, NM_005709.4).
Identifiers: ClinVar variation 262730 (VCV000262730.11), dbSNP rs1055574, ClinGen allele CA5904025.
Genomic context (GRCh38, chr11:17,494,286, plus strand): 5'-GATAGATTCAGGTCCCAAGGATGCCATCTGGTGTGTGTAGTGTGGCCTCTCTCAAGGCTG[A>G]TCCGAGGCTTTGTGTTCACGAGGTGGGGCCGGAGCTCACTGTTTCCTAACGGTGAATTTG-3'

ClinVar aggregate classification (germline): Benign. Review status: criteria provided, multiple submitters, no conflicts (2 of 4 stars). 6 submissions from 5 submitters: Benign (6). Last evaluated 2021-07-10.

Conditions:
Usher syndrome type 1C. Also called: USHER SYNDROME, TYPE I, ACADIAN VARIETY. Identifiers: Orphanet 231169, Orphanet 886, MedGen C1848604, MONDO:0010171, OMIM 276904.
Autosomal recessive nonsyndromic hearing loss 18A. Also called: Deafness, autosomal recessive 18A; DEAFNESS, AUTOSOMAL RECESSIVE 18. Identifiers: Orphanet 90636, MedGen C1865870, MONDO:0011192, OMIM 602092.

Allele frequency attached by ClinVar (database versions not stated): 1000 Genomes Project 30x 0.36961; 1000 Genomes Project 0.37041; gnomAD exomes 0.42283 and 0.45883; TOPMed 0.42526; gnomAD 0.43595 and 0.44023; ESP Exome Variant Server 0.45241; ExAC 0.45358.
gnomAD v4.1: 726,103 of 1,591,812 alleles (46%); highest among the groups gnomAD compares: Non-Finnish European, 48%; 167,694 homozygotes.

Submissions (6):

Genome-Nilou Lab
Classification: Benign for Usher syndrome type 1C. Last evaluated: 2021-07-10. Review status: criteria provided, single submitter. Criteria: ACMG Guidelines, 2015. Collection method: clinical testing. Allele origin: germline. Affected: no.

Genome-Nilou Lab
Classification: Benign for Autosomal recessive nonsyndromic hearing loss 18A. Last evaluated: 2021-07-10. Review status: criteria provided, single submitter. Criteria: ACMG Guidelines, 2015. Collection method: clinical testing. Allele origin: germline. Affected: no.

GeneDx
Classification: Benign. Last evaluated: 2018-06-14. Review status: criteria provided, single submitter. Criteria: GeneDx Variant Classification Process June 2021. Collection method: clinical testing. Allele origin: germline. Affected: yes.

Illumina Laboratory Services, Illumina
Classification: Benign for Usher syndrome type 1C. Last evaluated: 2018-01-12. Review status: criteria provided, single submitter. Criteria: ICSL Variant Classification Criteria 13 December 2019. Collection method: clinical testing. Allele origin: germline.
Comment: This variant was observed in the ICSL laboratory as part of a predisposition screen in an ostensibly healthy population. It had not been previously curated by ICSL or reported in the Human Gene Mutation Database (HGMD: prior to June 1st, 2018), and was therefore a candidate for classification through an automated scoring system. Utilizing variant allele frequency, disease prevalence and penetrance estimates, and inheritance mode, an automated score was calculated to assess if this variant is too frequent to cause the disease. Based on the score and internal cut-off values, a variant classified as benign is not then subjected to further curation. The score for this variant resulted in a classification of benign for this disease.

Breakthrough Genomics
Classification: Benign. Review status: criteria provided, single submitter. Criteria: ACMG Guidelines, 2015. Collection method: not provided. Allele origin: germline. Inheritance: Autosomal recessive inheritance. Affected: yes.

PreventionGenetics, part of Exact Sciences
Classification: Benign. Review status: criteria provided, single submitter. Criteria: ACMG Guidelines, 2015. Collection method: clinical testing. Allele origin: germline.